The following is an entry in ClinVar:

ClinVar aggregate classification (germline): Benign/Likely benign. Review status: criteria provided, multiple submitters, no conflicts (2 of 4 stars). 4 submissions from 4 submitters: Benign (2); Likely benign (2). Last evaluated 2025-10-26.

Conditions:
Autosomal dominant optic atrophy classic form (OPA1). Also called: Optic Atrophy Type 1; KJER-TYPE OPTIC ATROPHY; OPTIC ATROPHY, JUVENILE. Identifiers: Orphanet 98673, MedGen C0338508, MONDO:0008134, OMIM 165500.

Allele frequency attached by ClinVar (database versions not stated): gnomAD exomes 0.00008 and 0.00022; 1000 Genomes Project 30x 0.00031; ExAC 0.00031; 1000 Genomes Project 0.00040; gnomAD 0.00089 and 0.00094; TOPMed 0.00108; ESP Exome Variant Server 0.00140.
gnomAD v4.1: 256 of 1,522,528 alleles (0.017%); highest among the groups gnomAD compares: African/African-American, 0.31%; 1 homozygote.

Submissions (4):

Labcorp Genetics (formerly Invitae), Labcorp
Classification: Benign. Last evaluated: 2025-10-26. Review status: criteria provided, single submitter. Criteria: Invitae Variant Classification Sherloc (09022015). Collection method: clinical testing. Allele origin: germline.

Blueprint Genetics
Classification: Likely benign. Last evaluated: 2023-10-04. Review status: criteria provided, single submitter. Criteria: ACMG Guidelines, 2015. Collection method: clinical testing. Allele origin: germline.

GeneDx
Classification: Likely benign. Last evaluated: 2020-08-25. Review status: criteria provided, single submitter. Criteria: GeneDx Variant Classification Process June 2021. Collection method: clinical testing. Allele origin: germline. Affected: yes.

Illumina Laboratory Services, Illumina
Classification: Benign for Autosomal dominant optic atrophy classic form. Last evaluated: 2018-01-15. Review status: criteria provided, single submitter. Criteria: ICSL Variant Classification Criteria 13 December 2019. Collection method: clinical testing. Allele origin: germline.
Comment: This variant was observed in the ICSL laboratory as part of a predisposition screen in an ostensibly healthy population. It had not been previously curated by ICSL or reported in the Human Gene Mutation Database (HGMD: prior to June 1st, 2018), and was therefore a candidate for classification through an automated scoring system. Utilizing variant allele frequency, disease prevalence and penetrance estimates, and inheritance mode, an automated score was calculated to assess if this variant is too frequent to cause the disease. Based on the score and internal cut-off values, a variant classified as benign is not then subjected to further curation. The score for this variant resulted in a classification of benign for this disease.

NM_130837.3(OPA1):c.949-11A>C

Gene: OPA1 (OPA1 mitochondrial dynamin like GTPase; plus strand). Cytogenetic location: 3q29.
Variant type: single nucleotide variant.
Coding change: c.949-11A>C on transcript NM_130837.3 (MANE Select); 11 bases into the intron before coding-DNA position 949, A replaced by C.
Molecular consequence: intron variant.
Genome position (GRCh38, 1-based): chr3:193,637,184, A>C. VCF-style: chr3-193637184-A-C. GRCh37 (hg19) VCF-style: chr3-193354973-A-C.
Other names: c.412-11A>C (NM_001354664.2); c.415-11A>C (NM_001354663.2); c.838-11A>C (NM_130834.3); c.895-11A>C (NM_130836.3); c.784-11A>C (NM_015560.3); c.841-11A>C (NM_130835.3); c.730-11A>C (NM_130832.3); c.787-11A>C (NM_130833.3); and 1 more.
Identifiers: ClinVar variation 378311 (VCV000378311.16), dbSNP rs376681712, ClinGen allele CA2759226.